The following is an entry in ClinVar:

NM_001366385.1(CARD14):c.1966G>A (p.Val656Ile)

Genes: SGSH (N-sulfoglucosamine sulfohydrolase; minus strand), CARD14 (caspase recruitment domain family member 14; plus strand). Cytogenetic location: 17q25.3.
Variant type: single nucleotide variant.
Coding change: c.1966G>A on transcript NM_001366385.1 (MANE Select); coding-DNA position 1966, G replaced by A.
Protein change: p.Val656Ile; replaces valine 656 with isoleucine.
Molecular consequence: missense variant. On other transcripts: non-coding transcript variant (1).
Genome position (GRCh38, 1-based): chr17:80,201,858, G>A. VCF-style: chr17-80201858-G-A. GRCh37 (hg19) VCF-style: chr17-78175657-G-A.
Other names: c.1966G>A, p.Val656Ile (NM_001257970.1, NM_024110.4); short protein forms V656I.
Identifiers: ClinVar variation 1399459 (VCV001399459.8), dbSNP rs2144432945, ClinGen allele CA401352715.

ClinVar aggregate classification (germline): Uncertain significance (1 of 4 stars; one submission).

Conditions:
Pityriasis rubra pilaris (PRP). Also called: Pityriasis rubra pilaris--familial type. Identifiers: Orphanet 2897, MedGen C0032027, MONDO:0100017, OMIM 173200, MONDO:0008251.
Psoriasis 2. Identifiers: MedGen C1864497, MONDO:0011269, OMIM 602723.

Submission:

Labcorp Genetics (formerly Invitae), Labcorp
Classification: Uncertain significance for Pityriasis rubra pilaris; Psoriasis 2. Last evaluated: 2021-06-05. Review status: criteria provided, single submitter. Criteria: Invitae Variant Classification Sherloc (09022015). Collection method: clinical testing. Allele origin: germline.
Comment: In summary, the available evidence is currently insufficient to determine the role of this variant in disease. Therefore, it has been classified as a Variant of Uncertain Significance. Algorithms developed to predict the effect of missense changes on protein structure and function output the following: SIFT: "Tolerated"; PolyPhen-2: "Benign"; Align-GVGD: "Class C0". The isoleucine amino acid residue is found in multiple mammalian species, suggesting that this missense change does not adversely affect protein function. These predictions have not been confirmed by published functional studies and their clinical significance is uncertain. This variant has not been reported in the literature in individuals with CARD14-related conditions. This variant is not present in population databases (ExAC no frequency). This sequence change replaces valine with isoleucine at codon 656 of the CARD14 protein (p.Val656Ile). The valine residue is moderately conserved and there is a small physicochemical difference between valine and isoleucine.